The following is an entry in ClinVar:

NM_000143.4(FH):c.814C>A (p.Leu272Ile)

Gene: FH (fumarate hydratase; minus strand). Cytogenetic location: 1q43.
Variant type: single nucleotide variant.
Coding change: c.814C>A on transcript NM_000143.4 (MANE Select); coding-DNA position 814, C replaced by A.
Protein change: p.Leu272Ile; replaces leucine 272 with isoleucine.
Molecular consequence: missense variant.
Genome position (GRCh38, 1-based): chr1:241,506,093, G>T on the plus strand (C>A on the coding strand, the complement: FH is on the minus strand). VCF-style: chr1-241506093-G-T. GRCh37 (hg19) VCF-style: chr1-241669393-G-T.
Other names: short protein forms L272I.
Identifiers: ClinVar variation 405929 (VCV000405929.19), dbSNP rs779019570, ClinGen allele CA16610105.

ClinVar aggregate classification (germline): Uncertain significance. Review status: criteria provided, multiple submitters, no conflicts (2 of 4 stars). 4 submissions from 4 submitters: Uncertain significance (4). Last evaluated 2026-01-04.

Conditions:
Hereditary cancer-predisposing syndrome. Also called: Hereditary Cancer Syndrome; Hereditary neoplastic syndrome; Neoplastic Syndromes, Hereditary; Tumor predisposition. Identifiers: Orphanet 140162, MedGen C0027672, MeSH D009386, MONDO:0015356.

Allele frequency attached by ClinVar (database versions not stated): TOPMed 0.00001.
gnomAD v4.1: 23 of 1,613,818 alleles (0.0014%); highest among the groups gnomAD compares: Non-Finnish European, 0.0019%; no homozygotes.

Submissions (4):

Labcorp Genetics (formerly Invitae), Labcorp
Classification: Uncertain significance. Last evaluated: 2026-01-04. Review status: criteria provided, single submitter. Criteria: Invitae Variant Classification Sherloc (09022015). Collection method: clinical testing. Allele origin: germline.
Comment: This sequence change replaces leucine, which is neutral and non-polar, with isoleucine, which is neutral and non-polar, at codon 272 of the FH protein (p.Leu272Ile). This variant is not present in population databases (gnomAD no frequency). This variant has not been reported in the literature in individuals affected with FH-related conditions. ClinVar contains an entry for this variant (Variation ID: 405929). Invitae Evidence Modeling of protein sequence and biophysical properties (such as structural, functional, and spatial information, amino acid conservation, physicochemical variation, residue mobility, and thermodynamic stability) has been performed for this missense variant. However, the output from this modeling did not meet the statistical confidence thresholds required to predict the impact of this variant on FH protein function. In summary, the available evidence is currently insufficient to determine the role of this variant in disease. Therefore, it has been classified as a Variant of Uncertain Significance.

Ambry Genetics
Classification: Uncertain significance for Hereditary cancer-predisposing syndrome. Last evaluated: 2025-11-21. Review status: criteria provided, single submitter. Criteria: Ambry Variant Classification Scheme 2023. Collection method: clinical testing. Allele origin: germline.
Comment: The p.L272I variant (also known as c.814C>A), located in coding exon 6 of the FH gene, results from a C to A substitution at nucleotide position 814. The leucine at codon 272 is replaced by isoleucine, an amino acid with highly similar properties. This amino acid position is highly conserved in available vertebrate species. In addition, this alteration is predicted to be deleterious by in silico analysis. Based on the available evidence, the clinical significance of this variant remains unclear.

Quest Diagnostics Nichols Institute San Juan Capistrano
Classification: Uncertain significance. Last evaluated: 2024-11-22. Review status: criteria provided, single submitter. Criteria: Quest Diagnostics criteria. Collection method: clinical testing. Allele origin: unknown.
Comment: The FH c.814C>A (p.Leu272Ile) variant has not been reported in individuals with FH-related conditions in the published literature. It also has not been reported in large, multi-ethnic general populations (Genome Aggregation Database). Analysis of this variant using bioinformatics tools for the prediction of the effect of amino acid changes on protein structure and function yielded predictions that this variant is damaging. Based on the available information, we are unable to determine the clinical significance of this variant.

GeneDx
Classification: Uncertain significance. Last evaluated: 2022-04-18. Review status: criteria provided, single submitter. Criteria: GeneDx Variant Classification Process June 2021. Collection method: clinical testing. Allele origin: germline. Affected: yes.
Comment: Not observed at significant frequency in large population cohorts (gnomAD); In silico analysis supports that this missense variant does not alter protein structure/function; Has not been previously published as pathogenic or benign to our knowledge; Also known as p.L229I